The following is an entry in ClinVar:

NC_000020.10:g.(?_18449649)_(18496400_?)dup

Genes: POLR3F (RNA polymerase III subunit F; plus strand), RBBP9 (RB binding protein 9, serine hydrolase; minus strand), SEC23B (SEC23 homolog B, COPII coat complex component; plus strand). Cytogenetic location: 20p11.23.
Variant type: Duplication.
Identifiers: ClinVar variation 2424100 (VCV002424100.3).

ClinVar aggregate classification (germline): Uncertain significance (1 of 4 stars; one submission).

Submission:

Labcorp Genetics (formerly Invitae), Labcorp
Classification: Uncertain significance. Last evaluated: 2022-08-19. Review status: criteria provided, single submitter. Criteria: Invitae Variant Classification Sherloc (09022015). Collection method: clinical testing. Allele origin: germline.
Comment: A copy number gain of the genomic region encompassing the full coding sequence of the POLR3F gene has been identified. The boundaries of this event are unknown as they extend beyond the assayed region for this gene and therefore may encompass additional genes. As the precise location of this event is unknown, it may be in tandem or it may be located elsewhere in the genome. This variant has not been reported in the literature in individuals affected with POLR3F-related conditions. In summary, the available evidence is currently insufficient to determine the role of this variant in disease. Therefore, it has been classified as a Variant of Uncertain Significance.